The following is an entry in ClinVar:

NM_020066.5(FMN2):c.3369T>A (p.Pro1123=)

Gene: FMN2 (formin 2; plus strand). Cytogenetic location: 1q43.
Variant type: single nucleotide variant.
Coding change: c.3369T>A on transcript NM_020066.5 (MANE Select); coding-DNA position 3369, T replaced by A.
Protein change: p.Pro1123=; no amino-acid change (proline 1123 retained).
Molecular consequence: synonymous variant. On other transcripts: intron variant (1).
Genome position (GRCh38, 1-based): chr1:240,208,181, T>A. VCF-style: chr1-240208181-T-A. GRCh37 (hg19) VCF-style: chr1-240371481-T-A.
Other names: c.3369T>A (NM_020066.4); c.3381T>A, p.Pro1127= (NM_001305424.2); c.1986+19919T>A (NM_001348094.2).
Identifiers: ClinVar variation 2640186 (VCV002640186.25), dbSNP rs759677771, ClinGen allele CA1477132.

ClinVar aggregate classification (germline): Likely benign. Review status: criteria provided, single submitter (1 of 4 stars). 2 submissions from 2 submitters: Likely benign (1). 1 of the submissions does not count toward it. Last evaluated 2026-04-01.

Conditions:
FMN2-related disorder. Also called: FMN2-related condition.

Allele frequency attached by ClinVar (database versions not stated): ExAC 0.00008.

Submissions (2):

CeGaT Center for Human Genetics Tuebingen
Classification: Likely benign. Last evaluated: 2026-04-01. Review status: criteria provided, single submitter. Criteria: CeGaT Center For Human Genetics Tuebingen Variant Classification Criteria Version 2. Collection method: clinical testing. Allele origin: germline. Affected: yes. Observed: 4 variant alleles.
Comment: FMN2: BP4, BP7

PreventionGenetics, part of Exact Sciences
Classification: Likely benign for FMN2-related condition. Last evaluated: 2020-08-17. Review status: no assertion criteria provided. Collection method: clinical testing. Allele origin: germline. Not counted in ClinVar's aggregate classification.
Comment: This variant is classified as likely benign based on ACMG/AMP sequence variant interpretation guidelines (Richards et al. 2015 PMID: 25741868, with internal and published modifications).